The following is an entry in ClinVar:

ClinVar aggregate classification (germline): Uncertain significance (1 of 4 stars; one submission).

Conditions:
Hereditary sensory neuropathy-deafness-dementia syndrome. Also called: Hereditary sensory neuropathy type IE; Hereditary Sensory and Autonomic Neuropathy Type 1E (HSAN1E); HSN IE; NEUROPATHY, HEREDITARY SENSORY, WITH HEARING LOSS AND DEMENTIA. Identifiers: Orphanet 456318, MedGen C3279885, MONDO:0013584, OMIM 614116.

Submission:

Labcorp Genetics (formerly Invitae), Labcorp
Classification: Uncertain significance for Hereditary sensory neuropathy-deafness-dementia syndrome. Last evaluated: 2023-06-15. Review status: criteria provided, single submitter. Criteria: Invitae Variant Classification Sherloc (09022015). Collection method: clinical testing. Allele origin: unknown.
Comment: This variant has not been reported in the literature in individuals affected with DNMT1-related conditions. This variant is a gross deletion of the genomic region encompassing exon(s) 28-41 of the DNMT1 gene, which includes the termination codon. This deletion extends beyond the assayed region for this gene and therefore may encompass additional genes. While this deletion is not anticipated to lead to nonsense mediated decay, it is expected to alter mRNA translation or result in a truncated protein product. Experimental studies and prediction algorithms are not available or were not evaluated, and the functional significance of this variant is currently unknown. In summary, the available evidence is currently insufficient to determine the role of this variant in disease. Therefore, it has been classified as a Variant of Uncertain Significance.

NC_000019.9:g.(?_10244343)_(10257220_?)del

Gene: DNMT1 (DNA methyltransferase 1; minus strand). Cytogenetic location: 19p13.2.
Variant type: Deletion.
Identifiers: ClinVar variation 3248490 (VCV003248490.1).